The following is an entry in ClinVar:

ClinVar aggregate classification (germline): Uncertain significance (1 of 4 stars; one submission).

Conditions:
Familial cancer of breast. Also called: hereditary breast carcinoma; Hereditary breast cancer; BREAST CANCER, FAMILIAL. Identifiers: Orphanet 227535, MedGen C0346153, MONDO:0016419, OMIM 114480. Disease mechanism: loss of function.

Submission:

Labcorp Genetics (formerly Invitae), Labcorp
Classification: Uncertain significance for Familial cancer of breast. Last evaluated: 2025-08-04. Review status: criteria provided, single submitter. Criteria: Invitae Variant Classification Sherloc (09022015). Collection method: clinical testing. Allele origin: germline.
Comment: This sequence change replaces glutamic acid, which is acidic and polar, with glutamine, which is neutral and polar, at codon 122 of the CHEK2 protein (p.Glu122Gln). This variant is not present in population databases (gnomAD no frequency). This variant has not been reported in the literature in individuals affected with CHEK2-related conditions. ClinVar contains an entry for this variant (Variation ID: 2866542). An algorithm developed to predict the effect of missense changes on protein structure and function (PolyPhen-2) suggests that this variant is likely to be tolerated. In summary, the available evidence is currently insufficient to determine the role of this variant in disease. Therefore, it has been classified as a Variant of Uncertain Significance.

NM_007194.4(CHEK2):c.364G>C (p.Glu122Gln)

Gene: CHEK2 (checkpoint kinase 2; minus strand). Cytogenetic location: 22q12.1.
Variant type: single nucleotide variant.
Coding change: c.364G>C on transcript NM_007194.4 (MANE Select); coding-DNA position 364, G replaced by C.
Protein change: p.Glu122Gln; replaces glutamic acid 122 with glutamine.
Molecular consequence: missense variant.
Genome position (GRCh38, 1-based): chr22:28,725,323, C>G on the plus strand (G>C on the coding strand, the complement: CHEK2 is on the minus strand). VCF-style: chr22-28725323-C-G. GRCh37 (hg19) VCF-style: chr22-29121311-C-G.
Other names: c.493G>C, p.Glu165Gln (NM_001005735.3); c.-414G>C (NM_001257387.3); c.364G>C, p.Glu122Gln (NM_001349956.3, NM_145862.3); short protein forms E165Q, E122Q.
Identifiers: ClinVar variation 2866542 (VCV002866542.3), dbSNP rs2053963242, ClinGen allele CA411108140.